The following is an entry in ClinVar:

ClinVar aggregate classification (germline): Likely pathogenic (1 of 4 stars; one submission).

Conditions:
Macular dystrophy. Identifiers: MedGen C0730292, HP:0007754.

Submission:

Department of Human Genetics, University Hospital Bern, Inselspital
Classification: Likely pathogenic for Macular dystrophy. Last evaluated: 2025-01-14. Review status: criteria provided, single submitter. Criteria: ACMG Guidelines, 2015. Collection method: clinical testing. Allele origin: germline. Inheritance: Autosomal recessive inheritance. Affected: yes.
Comment: The missense variant c.1204C>G p.(Pro402Ala) is not present in population databases (gnomAD). The variant has been described in the literature in patients with autosomal recessive retinal dystrophies such as Stargardt disease (e.g. PMID 22661472, 36460718). In some individuals, the variant was reported to be in trans with another pathogenic ABCA4 variant. (LOVD, PMID 22661472). The in silico prediction tool REVEL predicts the variant to be pathogenic.

Literature cited by the submitters: PubMed 22661472; PubMed 36460718; PubMed 35120629.

NM_000350.3(ABCA4):c.1204C>G (p.Pro402Ala)

Gene: ABCA4 (ATP binding cassette subfamily A member 4; minus strand). Cytogenetic location: 1p22.1.
Variant type: single nucleotide variant.
Coding change: c.1204C>G on transcript NM_000350.3 (MANE Select); coding-DNA position 1204, C replaced by G.
Protein change: p.Pro402Ala; replaces proline 402 with alanine.
Molecular consequence: missense variant.
Genome position (GRCh38, 1-based): chr1:94,079,357, G>C on the plus strand (C>G on the coding strand, the complement: ABCA4 is on the minus strand). VCF-style: chr1-94079357-G-C. GRCh37 (hg19) VCF-style: chr1-94544913-G-C.
Other names: c.1204C>G, p.Pro402Ala (NM_001425324.1); short protein forms P402A.
Identifiers: ClinVar variation 3572915 (VCV003572915.1).